The following is an entry in ClinVar:

NM_018972.4(GDAP1):c.485-3C>T

Gene: GDAP1 (ganglioside induced differentiation associated protein 1; plus strand). Cytogenetic location: 8q21.11.
Variant type: single nucleotide variant.
Coding change: c.485-3C>T on transcript NM_018972.4 (MANE Select); 3 bases into the intron before coding-DNA position 485, C replaced by T.
Molecular consequence: intron variant.
Genome position (GRCh38, 1-based): chr8:74,361,881, C>T. VCF-style: chr8-74361881-C-T. GRCh37 (hg19) VCF-style: chr8-75274116-C-T.
Other names: c.485-3C>T (NM_001362931.2); c.311-3C>T (NM_001362930.2); c.158-3C>T (NM_001362929.2, NM_001362932.2); c.281-3C>T (NM_001040875.4).
Identifiers: ClinVar variation 390860 (VCV000390860.10), dbSNP rs761332159, ClinGen allele CA4785122.

ClinVar aggregate classification (germline): Conflicting classifications of pathogenicity. Review status: criteria provided, conflicting classifications (1 of 4 stars). 2 submissions from 2 submitters: Uncertain significance (1); Likely benign (1). Last evaluated 2019-11-20.

Conditions:
Charcot-Marie-Tooth disease type 4A. Also called: Charcot-Marie-Tooth disease, demyelinating, autosomal recessive, type 4a. Identifiers: Orphanet 99948, MedGen C1859198, MONDO:0008961, OMIM 214400.

Allele frequency attached by ClinVar (database versions not stated): gnomAD exomes below 0.00001; ExAC 0.00001; TOPMed 0.00001.

Submissions (2):

Labcorp Genetics (formerly Invitae), Labcorp
Classification: Uncertain significance for Charcot-Marie-Tooth disease type 4A. Last evaluated: 2019-11-20. Review status: criteria provided, single submitter. Criteria: Invitae Variant Classification Sherloc (09022015). Collection method: clinical testing. Allele origin: germline.
Comment: This variant has not been reported in the literature in individuals with GDAP1-related conditions. ClinVar contains an entry for this variant (Variation ID: 390860). In summary, the available evidence is currently insufficient to determine the role of this variant in disease. Therefore, it has been classified as a Variant of Uncertain Significance. Nucleotide substitutions within the consensus splice site are a relatively common cause of aberrant splicing (PMID: 17576681, 9536098). Algorithms developed to predict the effect of sequence changes on RNA splicing suggest that this variant is not likely to affect RNA splicing, but this prediction has not been confirmed by published transcriptional studies. This variant is present in population databases (rs761332159, ExAC 0.01%). This sequence change falls in intron 3 of the GDAP1 gene. It does not directly change the encoded amino acid sequence of the GDAP1 protein, but it affects a nucleotide within the consensus splice site of the intron.

GeneDx
Classification: Likely benign. Last evaluated: 2016-11-10. Review status: criteria provided, single submitter. Criteria: GeneDx Variant Classification (06012015). Collection method: clinical testing. Allele origin: germline. Affected: yes.
Comment: This variant is considered likely benign or benign based on one or more of the following criteria: it is a conservative change, it occurs at a poorly conserved position in the protein, it is predicted to be benign by multiple in silico algorithms, and/or has population frequency not consistent with disease.

Literature cited by the submitters: PubMed 17576681 (cited by Labcorp Genetics (formerly Invitae), Labcorp); PubMed 9536098 (cited by Labcorp Genetics (formerly Invitae), Labcorp).